The following is an entry in ClinVar:

ClinVar aggregate classification (germline): Uncertain significance (1 of 4 stars; one submission).

Conditions:
Hereditary cancer-predisposing syndrome. Also called: Neoplastic Syndromes, Hereditary; Hereditary Cancer Syndrome; Tumor predisposition; Hereditary neoplastic syndrome. Identifiers: Orphanet 140162, MedGen C0027672, MeSH D009386, MONDO:0015356.

Submission:

Ambry Genetics
Classification: Uncertain significance for Hereditary cancer-predisposing syndrome. Last evaluated: 2025-01-03. Review status: criteria provided, single submitter. Criteria: Ambry Variant Classification Scheme 2023. Collection method: clinical testing. Allele origin: germline.
Comment: The p.A1194P variant (also known as c.3580G>C), located in coding exon 23 of the RAD50 gene, results from a G to C substitution at nucleotide position 3580. The alanine at codon 1194 is replaced by proline, an amino acid with highly similar properties. This amino acid position is conserved. In addition, this alteration is predicted to be tolerated by in silico analysis. Based on the available evidence, the clinical significance of this variant remains unclear.

NM_005732.4(RAD50):c.3580G>C (p.Ala1194Pro)

Genes: RAD50 (RAD50 double strand break repair protein; plus strand), TH2-LCR (Th2 cytokine locus control region; plus strand), TH2LCRR (T helper type 2 locus control region associated RNA; minus strand). Cytogenetic location: 5q31.1.
Variant type: single nucleotide variant.
Coding change: c.3580G>C on transcript NM_005732.4 (MANE Select); coding-DNA position 3580, G replaced by C.
Protein change: p.Ala1194Pro; replaces alanine 1194 with proline.
Molecular consequence: missense variant. On other transcripts: non-coding transcript variant (3).
Genome position (GRCh38, 1-based): chr5:132,638,185, G>C. VCF-style: chr5-132638185-G-C. GRCh37 (hg19) VCF-style: chr5-131973877-G-C.
Other names: short protein forms A1194P.
Identifiers: ClinVar variation 3786290 (VCV003786290.1).